The following is an entry in ClinVar:

NM_006231.4(POLE):c.895A>G (p.Met299Val)

Gene: POLE (DNA polymerase epsilon, catalytic subunit; minus strand). Cytogenetic location: 12q24.33.
Variant type: single nucleotide variant.
Coding change: c.895A>G on transcript NM_006231.4 (MANE Select); coding-DNA position 895, A replaced by G.
Protein change: p.Met299Val; replaces methionine 299 with valine.
Molecular consequence: missense variant.
Genome position (GRCh38, 1-based): chr12:132,676,560, T>C on the plus strand (A>G on the coding strand, the complement: POLE is on the minus strand). VCF-style: chr12-132676560-T-C. GRCh37 (hg19) VCF-style: chr12-133253146-T-C.
Other names: short protein forms M299V.
Identifiers: ClinVar variation 473838 (VCV000473838.24), dbSNP rs370727992, ClinGen allele CA6894153.

ClinVar aggregate classification (germline): Uncertain significance. Review status: criteria provided, multiple submitters, no conflicts (2 of 4 stars). 5 submissions from 5 submitters: Uncertain significance (5). Last evaluated 2026-01-13.

Conditions:
POLE-related disorder. Also called: POLE-related condition; POLE-related disorders.
Hereditary cancer-predisposing syndrome. Also called: Neoplastic Syndromes, Hereditary; Hereditary Cancer Syndrome; Tumor predisposition; Hereditary neoplastic syndrome. Identifiers: Orphanet 140162, MedGen C0027672, MeSH D009386, MONDO:0015356.
Colorectal cancer, susceptibility to, 12 (CRCS12). Also called: COLORECTAL CANCER, SUSCEPTIBILITY TO, ON CHROMOSOME 12q24. Identifiers: Orphanet 220460, MedGen C3554460, MONDO:0014038, OMIM 615083.

Allele frequency attached by ClinVar (database versions not stated): TOPMed 0.00002; ESP Exome Variant Server 0.00008; ExAC 0.00001; gnomAD 0.00001; gnomAD exomes 0.00001 and 0.00002.
gnomAD v4.1: 29 of 1,612,214 alleles (0.0018%); highest among the groups gnomAD compares: Non-Finnish European, 0.0022%; no homozygotes.

Submissions (5):

Labcorp Genetics (formerly Invitae), Labcorp
Classification: Uncertain significance. Last evaluated: 2026-01-13. Review status: criteria provided, single submitter. Criteria: Invitae Variant Classification Sherloc (09022015). Collection method: clinical testing. Allele origin: germline.
Comment: This sequence change replaces methionine, which is neutral and non-polar, with valine, which is neutral and non-polar, at codon 299 of the POLE protein (p.Met299Val). This variant is present in population databases (rs370727992, gnomAD 0.003%). This variant has not been reported in the literature in individuals affected with POLE-related conditions. ClinVar contains an entry for this variant (Variation ID: 473838). Invitae Evidence Modeling of protein sequence and biophysical properties (such as structural, functional, and spatial information, amino acid conservation, physicochemical variation, residue mobility, and thermodynamic stability) indicates that this missense variant is expected to disrupt POLE protein function with a positive predictive value of 80%. In summary, the available evidence is currently insufficient to determine the role of this variant in disease. Therefore, it has been classified as a Variant of Uncertain Significance.

PreventionGenetics, part of Exact Sciences
Classification: Uncertain significance for POLE-related condition. Last evaluated: 2025-03-27. Review status: criteria provided, single submitter. Criteria: ACMG Guidelines, 2015. Collection method: clinical testing. Allele origin: germline.
Comment: The POLE c.895A>G variant is predicted to result in the amino acid substitution p.Met299Val. To our knowledge, this variant has not been reported in the literature. This variant is reported in 0.0029% of alleles in individuals of Latino descent in gnomAD and is interpreted as uncertain significance in ClinVar. This variant localizes to the exonuclease domain of the POLE protein (Palles et al. 2013. PubMed ID: 23263490; Mur et al. 2020. PubMed ID: 32792570). At this time, the clinical significance of this variant is uncertain due to the absence of conclusive functional and genetic evidence.

Ambry Genetics
Classification: Uncertain significance for Hereditary cancer-predisposing syndrome. Last evaluated: 2025-03-03. Review status: criteria provided, single submitter. Criteria: Ambry Variant Classification Scheme 2023. Collection method: clinical testing. Allele origin: germline.
Comment: The p.M299V variant (also known as c.895A>G), located in coding exon 9 of the POLE gene, results from an A to G substitution at nucleotide position 895. The methionine at codon 299 is replaced by valine, an amino acid with highly similar properties. This amino acid position is highly conserved in available vertebrate species. In addition, the in silico prediction for this alteration is inconclusive. Based on the available evidence, the clinical significance of this variant remains unclear.

Baylor Genetics
Classification: Uncertain significance for Colorectal cancer, susceptibility to, 12. Last evaluated: 2023-09-02. Review status: criteria provided, single submitter. Criteria: ACMG Guidelines, 2015. Collection method: clinical testing. Allele origin: unknown.

GeneDx
Classification: Uncertain significance. Last evaluated: 2022-07-12. Review status: criteria provided, single submitter. Criteria: GeneDx Variant Classification Process June 2021. Collection method: clinical testing. Allele origin: germline. Affected: yes.
Comment: Not observed at significant frequency in large population cohorts (gnomAD); In silico analysis supports that this missense variant has a deleterious effect on protein structure/function; Has not been previously published as pathogenic or benign to our knowledge; This variant is associated with the following publications: (PMID: 20951805)

Literature cited by the submitters: PubMed 25505230 (cited by Ambry Genetics); PubMed 26251183 (cited by Ambry Genetics); PubMed 30917185 (cited by Ambry Genetics).